The following is an entry in ClinVar:

NM_004522.3(KIF5C):c.1294-12G>T

Gene: KIF5C (kinesin family member 5C; plus strand). Cytogenetic location: 2q23.1.
Variant type: single nucleotide variant.
Coding change: c.1294-12G>T on transcript NM_004522.3 (MANE Select); 12 bases into the intron before coding-DNA position 1294, G replaced by T.
Molecular consequence: intron variant.
Genome position (GRCh38, 1-based): chr2:148,978,910, G>T. VCF-style: chr2-148978910-G-T. GRCh37 (hg19) VCF-style: chr2-149835424-G-T.
Identifiers: ClinVar variation 681106 (VCV000681106.1), dbSNP rs1286844357, ClinGen allele CA915942834.

ClinVar aggregate classification (germline): Likely benign (1 of 4 stars; one submission).

Submission:

GeneDx
Classification: Likely benign. Last evaluated: 2018-03-30. Review status: criteria provided, single submitter. Criteria: GeneDx Variant Classification (06012015). Collection method: clinical testing. Allele origin: germline. Affected: yes.
Comment: This variant is considered likely benign or benign based on one or more of the following criteria: it is a conservative change, it occurs at a poorly conserved position in the protein, it is predicted to be benign by multiple in silico algorithms, and/or has population frequency not consistent with disease.